The following is an entry in ClinVar:

ClinVar aggregate classification (germline): Likely benign (1 of 4 stars; one submission).

Allele frequency attached by ClinVar (database versions not stated): ExAC 0.00056; TOPMed 0.00066; gnomAD 0.00072; 1000 Genomes Project 30x 0.00078; ESP Exome Variant Server 0.00085; 1000 Genomes Project 0.00100.

Submission:

CeGaT Center for Human Genetics Tuebingen
Classification: Likely benign. Last evaluated: 2023-01-01. Review status: criteria provided, single submitter. Criteria: CeGaT Center For Human Genetics Tuebingen Variant Classification Criteria Version 2. Collection method: clinical testing. Allele origin: germline. Affected: yes. Observed: 1 variant allele.
Comment: TBC1D10C: BP4, BP7

NM_001369496.1(TBC1D10C):c.708C>T (p.His236=)

Gene: TBC1D10C (TBC1 domain family member 10C; plus strand). Cytogenetic location: 11q13.2.
Variant type: single nucleotide variant.
Coding change: c.708C>T on transcript NM_001369496.1 (MANE Select); coding-DNA position 708, C replaced by T.
Protein change: p.His236=; no amino-acid change (histidine 236 retained).
Molecular consequence: synonymous variant. On other transcripts: non-coding transcript variant (1), intron variant (2).
Genome position (GRCh38, 1-based): chr11:67,406,886, C>T. VCF-style: chr11-67406886-C-T. GRCh37 (hg19) VCF-style: chr11-67174357-C-T.
Other names: c.732C>T, p.His244= (NM_001369498.1); c.708C>T, p.His236= (NM_198517.4, NM_001369497.1); c.644+194C>T (NM_001256508.1); c.533+194C>T (NM_001369492.1); c.405C>T, p.His135= (NM_001369494.1, NM_001369495.1).
Identifiers: ClinVar variation 2642015 (VCV002642015.24), dbSNP rs142410416, ClinGen allele CA6137330.